The following is an entry in ClinVar:

NM_000169.3(GLA):c.547+4A>G

Genes: GLA (galactosidase alpha; minus strand), RPL36A-HNRNPH2 (RPL36A-HNRNPH2 readthrough; plus strand). Cytogenetic location: Xq22.1.
Variant type: single nucleotide variant.
Coding change: c.547+4A>G on transcript NM_000169.3 (MANE Select); 4 bases into the intron after coding-DNA position 547, A replaced by G.
Molecular consequence: intron variant. On other transcripts: missense variant (1).
Genome position (GRCh38, 1-based): chrX:101,401,628, T>C on the plus strand (A>G on the coding strand, the complement: GLA is on the minus strand). VCF-style: chrX-101401628-T-C. GRCh37 (hg19) VCF-style: chrX-100656616-T-C.
Other names: c.547+4A>G (NM_000169.2, NM_001406748.1); c.674A>G, p.Asn225Ser (NM_001406749.1); c.300+6171T>C (NM_001199973.2); c.177+9806T>C (NM_001199974.2); c.670+4A>G (NM_001406747.1); short protein forms N225S.
Identifiers: ClinVar variation 4087106 (VCV004087106.2).
Genomic context (GRCh38, chrX:101,401,628, plus strand): 5'-GGCTCAGCTACCATGGCCTCAAAGTTCTTTCCTTTGTGGCTAAATCTCTGGAATGAAACA[T>C]TACCATCTGCCAAATTTTCCAAACTGTCACAGTAACAACCATCAAATTTTAGCAGATCTA-3'

ClinVar aggregate classification (germline): Pathogenic/Likely pathogenic. Review status: criteria provided, multiple submitters, no conflicts (2 of 4 stars). 2 submissions from 2 submitters: Pathogenic (1); Likely pathogenic (1). Last evaluated 2026-09-08.

Conditions:
Fabry disease. Also called: ALPHA-GALACTOSIDASE A DEFICIENCY; ANDERSON-FABRY DISEASE; CERAMIDE TRIHEXOSIDASE DEFICIENCY; GLA DEFICIENCY; HEREDITARY DYSTOPIC LIPIDOSIS; Angiokeratoma corporis diffusum. Identifiers: Orphanet 324, MedGen C0002986, MONDO:0010526, OMIM 301500, HP:0001071. Disease mechanism: Fabry disease is due to inactivating mutations in the X-linked GLA gene resulting in deficiency of the enzyme Alpha Galactosidase-A., loss of function.

Submissions (2):

Genomenon, Inc
Classification: Likely pathogenic for Fabry disease. Last evaluated: 2026-09-08. Review status: criteria provided, single submitter. Criteria: Genomenon Sequence Variant Interpretation Standards - Updated. Collection method: curation. Allele origin: germline. Affected: yes.
Comment: GLA c.547+4A>G is an intronic variant located in the donor splice region of intron 3. This variant has been observed in at least one proband with clinical features consistent with Fabry disease (PMID:38947680;34205365;37323223). The variant was found to segregate with disease in at least one affected family (PMID:37323223). Functional or patient cell studies have been reported (PMID:38947680). Splicing studies have been reported (PMID:34205365). It is absent or not present at a significant frequency in gnomAD. In silico models predict that this variant is possibly or probably damaging. In conclusion, we classify GLA c.547+4A>G as a likely pathogenic variant.

Molecular Genetics Laboratory, Motol Hospital
Classification: Pathogenic for Fabry disease. Last evaluated: 2025-09-26. Review status: criteria provided, single submitter. Criteria: ACMG Guidelines, 2015. Collection method: clinical testing. Allele origin: germline. Affected: yes. Observed: 1 variant allele.
Comment: The variant is not present in gnomAD (v4.1.0), dbSNP or ClinVar (PM2). Rare splicing variants affecting the GLA gene are associated with X-linked Fabry disease (MIM:301500; PMID:37254000;PMID:32161151). The biochemical analysis confirmed the deleterious impact of the variant on pre-mRNA splicing (alpha-Galactosidase enzyme activity demonstrated a low activity using the tandem mass spectrometry from dried blood spot) (PP3, PS3). To conclude, the variant is classified as pathogenic (ACMG PP4, PM2, PP3, PS3).

Literature cited by the submitters: PubMed 38947680 (cited by Genomenon, Inc); PubMed 34205365 (cited by Genomenon, Inc); PubMed 37323223 (cited by Genomenon, Inc); PubMed 37254000 (cited by Molecular Genetics Laboratory, Motol Hospital); PubMed 32161151 (cited by Molecular Genetics Laboratory, Motol Hospital).